The following is an entry in ClinVar:

NM_001267550.2(TTN):c.21489C>T (p.Thr7163=)

Gene: TTN (titin; minus strand). Cytogenetic location: 2q31.2.
Variant type: single nucleotide variant.
Coding change: c.21489C>T on transcript NM_001267550.2 (MANE Select); coding-DNA position 21489, C replaced by T.
Protein change: p.Thr7163=; no amino-acid change (threonine 7163 retained).
Molecular consequence: synonymous variant. On other transcripts: intron variant (3).
Genome position (GRCh38, 1-based): chr2:178,723,611, G>A on the plus strand (C>T on the coding strand, the complement: TTN is on the minus strand). VCF-style: chr2-178723611-G-A. GRCh37 (hg19) VCF-style: chr2-179588338-G-A.
Other names: c.20538C>T, p.Thr6846= (NM_001256850.1); c.17757C>T, p.Thr5919= (NM_133378.4); c.13282+14471C>T (NM_003319.4); c.13858+14471C>T (NM_133437.4); c.13657+14471C>T (NM_133432.3).
Identifiers: ClinVar variation 1109538 (VCV001109538.36), dbSNP rs376882041, ClinGen allele CA2001014.

ClinVar aggregate classification (germline): Likely benign. Review status: criteria provided, multiple submitters, no conflicts (2 of 4 stars). 2 submissions from 2 submitters: Likely benign (2). Last evaluated 2025-05-18.

Conditions:
Autosomal recessive limb-girdle muscular dystrophy type 2J (LGMDR10). Also called: Limb-girdle muscular dystrophy, type 2J; MUSCULAR DYSTROPHY, LIMB-GIRDLE, AUTOSOMAL RECESSIVE 10. Identifiers: Orphanet 140922, MedGen C1837342, MONDO:0012127, OMIM 608807.
Dilated cardiomyopathy 1G (CMD1G). Identifiers: Orphanet 154, MedGen C1858763, MONDO:0011400, OMIM 604145.

Allele frequency attached by ClinVar (database versions not stated): 1000 Genomes Project 30x 0.00016.
gnomAD v4.1: 18 of 1,612,962 alleles (0.0011%); highest among the groups gnomAD compares: East Asian, 0.0022%; no homozygotes.

Submissions (2):

Labcorp Genetics (formerly Invitae), Labcorp
Classification: Likely benign for Dilated cardiomyopathy 1G; Autosomal recessive limb-girdle muscular dystrophy type 2J. Last evaluated: 2025-05-18. Review status: criteria provided, single submitter. Criteria: Invitae Variant Classification Sherloc (09022015). Collection method: clinical testing. Allele origin: germline.

CeGaT Center for Human Genetics Tuebingen
Classification: Likely benign. Last evaluated: 2023-01-01. Review status: criteria provided, single submitter. Criteria: CeGaT Center For Human Genetics Tuebingen Variant Classification Criteria Version 2. Collection method: clinical testing. Allele origin: germline. Affected: yes. Observed: 2 variant alleles.
Comment: TTN: BP4, BP7